The following is an entry in ClinVar:

NM_001385012.1(NBEA):c.1651T>G (p.Phe551Val)

Gene: NBEA (neurobeachin; plus strand). Cytogenetic location: 13q13.3.
Variant type: single nucleotide variant.
Coding change: c.1651T>G on transcript NM_001385012.1 (MANE Select); coding-DNA position 1651, T replaced by G.
Protein change: p.Phe551Val; replaces phenylalanine 551 with valine.
Molecular consequence: missense variant.
Genome position (GRCh38, 1-based): chr13:35,098,376, T>G. VCF-style: chr13-35098376-T-G. GRCh37 (hg19) VCF-style: chr13-35672513-T-G.
Other names: c.1651T>G, p.Phe551Val (NM_001379245.1, NM_015678.5); short protein forms F551V.
Identifiers: ClinVar variation 1213725 (VCV001213725.1), dbSNP rs2065444611, ClinGen allele CA387974668.

ClinVar aggregate classification (germline): Uncertain significance (1 of 4 stars; one submission).

Allele frequency attached by ClinVar (database versions not stated): TOPMed below 0.00001.

Submission:

New York Genome Center
Classification: Uncertain significance. Last evaluated: 2020-11-21. Review status: criteria provided, single submitter. Criteria: NYGC Assertion Criteria 2020. Collection method: clinical testing. Allele origin: germline. Observed: 1 heterozygote. Study: CSER-NYCKidSeq.
Comment: The c.1651T>G(p.Phe551Val) missense variant in exon 11 of 58 of NBEA has not been reported in affected individuals in the available literature. This variant is absentin gnomADv3 indicating it is not a common benign variant in the populations represented in this database. In silico predictors suggest this variant is Damaging (Provean; score:-6.24and SIFT; score: 0.001). Given the lack of inheritance data and functional studies supporting its pathogenicity, the c.1651T>G(p.Phe551Val) variant identified in the NBEA gene is reported as a Variant of Uncertain Significance